The following is an entry in ClinVar:

ClinVar aggregate classification (germline): Likely benign. Review status: criteria provided, multiple submitters, no conflicts (2 of 4 stars). 2 submissions from 2 submitters: Likely benign (2). Last evaluated 2024-11-01.

Allele frequency attached by ClinVar (database versions not stated): 1000 Genomes Project 30x 0.00016; gnomAD exomes 0.00026; gnomAD 0.00030 and 0.00031; TOPMed 0.00034; ESP Exome Variant Server 0.00040; ExAC 0.00065.

Submissions (2):

Blueprint Genetics
Classification: Likely benign. Last evaluated: 2024-11-01. Review status: criteria provided, single submitter. Criteria: ACMG Guidelines, 2015. Collection method: clinical testing. Allele origin: germline.

CeGaT Center for Human Genetics Tuebingen
Classification: Likely benign. Last evaluated: 2024-09-01. Review status: criteria provided, single submitter. Criteria: CeGaT Center For Human Genetics Tuebingen Variant Classification Criteria Version 2. Collection method: clinical testing. Allele origin: germline. Affected: yes. Observed: 3 variant alleles.
Comment: SLC1A2: BP4

NM_004171.4(SLC1A2):c.-4del

Gene: SLC1A2 (solute carrier family 1 member 2; minus strand). Cytogenetic location: 11p13.
Variant type: Deletion.
Coding change: c.-4del on transcript NM_004171.4 (MANE Select); 4 bases upstream of the start codon, one base deleted (G; older notation c.-4delG).
Molecular consequence: 5 prime UTR variant. On other transcripts: intron variant (2).
Genome position (GRCh38, 1-based): chr11:35,418,970, C deleted on the plus strand (G on the coding strand, the reverse complement: SLC1A2 is on the minus strand). VCF-style (leftmost placement, unchanged base first): chr11-35418969-TC-T. GRCh37 (hg19) VCF-style: chr11-35440516-TC-T.
Other names: c.-130+966del (NM_001195728.3); c.-167+938del (NM_001252652.2).
Identifiers: ClinVar variation 1675457 (VCV001675457.34), dbSNP rs755227278, ClinGen allele CA5947450.